The following is an entry in ClinVar:

NM_000285.4(PEPD):c.549-1G>T

Gene: PEPD (peptidase D; minus strand). Cytogenetic location: 19q13.11.
Variant type: single nucleotide variant.
Coding change: c.549-1G>T on transcript NM_000285.4 (MANE Select); the canonical splice acceptor site of the intron before coding-DNA position 549, G replaced by T.
Molecular consequence: splice acceptor variant. On other transcripts: intron variant (1).
Genome position (GRCh38, 1-based): chr19:33,464,063, C>A on the plus strand (G>T on the coding strand, the complement: PEPD is on the minus strand). VCF-style: chr19-33464063-C-A. GRCh37 (hg19) VCF-style: chr19-33954969-C-A.
Other names: c.357-1G>T (NM_001166057.2); c.548+13983G>T (NM_001166056.2).
Identifiers: ClinVar variation 1299536 (VCV001299536.1), dbSNP rs1204749077, ClinGen allele CA405230841.
Genomic context (GRCh38, chr19:33,464,063, plus strand): 5'-CTGGAGATTTTATTGGTATAGCGCAGAACCTCCAGCTCCATATCCGTCTTAAACACTCGG[C>A]TTCAGAGACAGAAGAACAAAGCAGCAAATCAGTGACTTTCAGGAGGCACTGGCTGGACCC-3'

ClinVar aggregate classification (germline): Pathogenic (1 of 4 stars; one submission).

Conditions:
Prolidase deficiency. Identifiers: Orphanet 742, MedGen C0268532, MONDO:0008221, OMIM 170100.

Submission:

Laboratory of Medical Genetics, National & Kapodistrian University of Athens
Classification: Pathogenic for Prolidase deficiency. Last evaluated: 2021-08-10. Review status: criteria provided, single submitter. Criteria: ACMG Guidelines, 2015. Collection method: clinical testing. Allele origin: maternal. Affected: yes.
Comment: PVS1, PM2, PP3